The following is an entry in ClinVar:

NM_013450.4(BAZ2B):c.5362G>C (p.Val1788Leu)

Gene: BAZ2B (bromodomain adjacent to zinc finger domain 2B; minus strand). Cytogenetic location: 2q24.2.
Variant type: single nucleotide variant.
Coding change: c.5362G>C on transcript NM_013450.4 (MANE Select); coding-DNA position 5362, G replaced by C.
Protein change: p.Val1788Leu; replaces valine 1788 with leucine.
Molecular consequence: missense variant.
Genome position (GRCh38, 1-based): chr2:159,347,578, C>G on the plus strand (G>C on the coding strand, the complement: BAZ2B is on the minus strand). VCF-style: chr2-159347578-C-G. GRCh37 (hg19) VCF-style: chr2-160204089-C-G.
Other names: c.5254G>C, p.Val1752Leu (NM_001289975.1); c.5200G>C, p.Val1734Leu (NM_001329857.2); c.5287G>C, p.Val1763Leu (NM_001329858.2); short protein forms V1734L, V1752L, V1763L, V1788L.
Identifiers: ClinVar variation 3900121 (VCV003900121.1).

ClinVar aggregate classification (germline): Uncertain significance (1 of 4 stars; one submission).

Submission:

GeneDx
Classification: Uncertain significance. Last evaluated: 2024-11-22. Review status: criteria provided, single submitter. Criteria: GeneDx Variant Classification Process June 2021. Collection method: clinical testing. Allele origin: germline. Affected: yes.
Comment: Not observed at significant frequency in large population cohorts (gnomAD); In silico analysis indicates that this missense variant does not alter protein structure/function; Has not been previously published as pathogenic or benign to our knowledge